The following is an entry in ClinVar:

NM_024675.4(PALB2):c.3439T>G (p.Cys1147Gly)

Gene: PALB2 (partner and localizer of BRCA2; minus strand). Cytogenetic location: 16p12.2.
Variant type: single nucleotide variant.
Coding change: c.3439T>G on transcript NM_024675.4 (MANE Select); coding-DNA position 3439, T replaced by G.
Protein change: p.Cys1147Gly; replaces cysteine 1147 with glycine.
Molecular consequence: missense variant.
Genome position (GRCh38, 1-based): chr16:23,603,581, A>C on the plus strand (T>G on the coding strand, the complement: PALB2 is on the minus strand). VCF-style: chr16-23603581-A-C. GRCh37 (hg19) VCF-style: chr16-23614902-A-C.
Other names: c.3379T>G, p.Cys1127Gly (NM_001407296.1); c.3367T>G, p.Cys1123Gly (NM_001407297.1); c.3277T>G, p.Cys1093Gly (NM_001407298.1); c.3202T>G, p.Cys1068Gly (NM_001407299.1); c.3160T>G, p.Cys1054Gly (NM_001407300.1); c.*74T>G (NM_001407301.1, NM_001407302.1, NM_001407310.1 and 2 more transcripts); c.2554T>G, p.Cys852Gly (NM_001407304.1, NM_001407305.1, NM_001407306.1); c.2392T>G, p.Cys798Gly (NM_001407307.1); and 3 more; short protein forms C1068G, C1093G, C798G, C1054G, C1127G, C1147G, C773G, C1123G.
Identifiers: ClinVar variation 1731438 (VCV001731438.3), dbSNP rs1433737234, ClinGen allele CA395138144.

ClinVar aggregate classification (germline): Uncertain significance (1 of 4 stars; one submission).

Conditions:
Hereditary cancer-predisposing syndrome. Also called: Neoplastic Syndromes, Hereditary; Tumor predisposition; Hereditary Cancer Syndrome; Hereditary neoplastic syndrome. Identifiers: Orphanet 140162, MedGen C0027672, MeSH D009386, MONDO:0015356.

Submission:

Ambry Genetics
Classification: Uncertain significance for Hereditary cancer-predisposing syndrome. Last evaluated: 2025-11-25. Review status: criteria provided, single submitter. Criteria: Ambry Variant Classification Scheme 2023. Collection method: clinical testing. Allele origin: germline.
Comment: The p.C1147G variant (also known as c.3439T>G), located in coding exon 13 of the PALB2 gene, results from a T to G substitution at nucleotide position 3439. The cysteine at codon 1147 is replaced by glycine, an amino acid with highly dissimilar properties. This amino acid position is highly conserved in available vertebrate species. In addition, the in silico prediction for this alteration is inconclusive. Based on the available evidence, the clinical significance of this variant remains unclear.